The following is an entry in ClinVar:

NM_000543.5(SMPD1):c.740del (p.Gly247fs)

Gene: SMPD1 (sphingomyelin phosphodiesterase 1; plus strand). Cytogenetic location: 11p15.4.
Variant type: Deletion.
Coding change: c.740del on transcript NM_000543.5 (MANE Select); coding-DNA position 740, one base deleted (G; older notation c.740delG).
Protein change: p.Gly247fs; shifts the reading frame from glycine 247.
Molecular consequence: frameshift variant. On other transcripts: 5 prime UTR variant (1), non-coding transcript variant (1).
Genome position (GRCh38, 1-based): chr11:6,391,805, G deleted; the last of 4 consecutive G bases (chr11:6,391,802-6,391,805); deleting any one gives the same sequence. VCF-style (leftmost placement, unchanged base first): chr11-6391801-TG-T. GRCh37 (hg19) VCF-style: chr11-6413031-TG-T.
Other names: c.737del, p.Gly246fs (NM_001007593.3); c.740del, p.Gly247fs (NM_001318087.2, NM_001365135.2); c.-222del (NM_001318088.2); short protein forms G246fs, G247fs.
Identifiers: ClinVar variation 2136984 (VCV002136984.7), dbSNP rs2493806280, ClinGen allele CA472909582.

ClinVar aggregate classification (germline): Pathogenic. Review status: criteria provided, multiple submitters, no conflicts (2 of 4 stars). 4 submissions from 4 submitters: Pathogenic (4). Last evaluated 2024-06-19.

Conditions:
Niemann-Pick disease, type B. Also called: Chronic Visceral ASMD (Niemann-Pick Disease Type B; NPD-B). Identifiers: Orphanet 77293, MedGen C0268243, MONDO:0011871, OMIM 607616. Disease mechanism: loss of function.
Niemann-Pick disease, type A. Also called: Infantile Neurovisceral ASMD (Niemann-Pick Disease Type A; NPD-A); SPHINGOMYELIN LIPIDOSIS; SPHINGOMYELINASE DEFICIENCY. Identifiers: Orphanet 77292, MedGen C0268242, MONDO:0009756, OMIM 257200. Disease mechanism: loss of function.
SMPD1-related disorder. Also called: SMPD1-related condition.

Submissions (4):

Fulgent Genetics
Classification: Pathogenic for Niemann-Pick disease, type A; Niemann-Pick disease, type B. Last evaluated: 2024-06-19. Review status: criteria provided, single submitter. Criteria: ACMG Guidelines, 2015. Collection method: clinical testing. Allele origin: germline.

Labcorp Genetics (formerly Invitae), Labcorp
Classification: Pathogenic for Niemann-Pick disease, type B; Niemann-Pick disease, type A. Last evaluated: 2022-06-08. Review status: criteria provided, single submitter. Criteria: Invitae Variant Classification Sherloc (09022015). Collection method: clinical testing. Allele origin: germline.
Comment: For these reasons, this variant has been classified as Pathogenic. This premature translational stop signal has been observed in individual(s) with Niemann-Pick disease (PMID: 23724191). This variant is not present in population databases (gnomAD no frequency). This sequence change creates a premature translational stop signal (p.Gly247Alafs*10) in the SMPD1 gene. It is expected to result in an absent or disrupted protein product. Loss-of-function variants in SMPD1 are known to be pathogenic (PMID: 12369017, 15221801).

Blueprint Genetics
Classification: Pathogenic for SMPD1-related disorders. Last evaluated: 2018-12-05. Review status: criteria provided, single submitter. Criteria: ACMG Guidelines, 2015. Collection method: clinical testing. Allele origin: germline. Affected: yes. Observed: 2 variant alleles.

Kariminejad - Najmabadi Pathology & Genetics Center
Classification: Pathogenic for Niemann-Pick disease, type A. Review status: criteria provided, single submitter. Criteria: ACMG Guidelines, 2015. Collection method: clinical testing. Allele origin: germline. Affected: no.

Literature cited by the submitters: PubMed 23724191 (cited by Labcorp Genetics (formerly Invitae), Labcorp); PubMed 12369017 (cited by Labcorp Genetics (formerly Invitae), Labcorp); PubMed 15221801 (cited by Labcorp Genetics (formerly Invitae), Labcorp).